The following is an entry in ClinVar:

NM_000722.4(CACNA2D1):c.418C>T (p.Pro140Ser)

Gene: CACNA2D1 (calcium voltage-gated channel auxiliary subunit alpha2delta 1; minus strand). Cytogenetic location: 7q21.11.
Variant type: single nucleotide variant.
Coding change: c.418C>T on transcript NM_000722.4 (MANE Select); coding-DNA position 418, C replaced by T.
Protein change: p.Pro140Ser; replaces proline 140 with serine.
Molecular consequence: missense variant.
Genome position (GRCh38, 1-based): chr7:82,117,152, G>A on the plus strand (C>T on the coding strand, the complement: CACNA2D1 is on the minus strand). VCF-style: chr7-82117152-G-A. GRCh37 (hg19) VCF-style: chr7-81746468-G-A.
Other names: c.418C>T, p.Pro140Ser (NM_001302890.2, NM_001366867.1); short protein forms P140S.
Identifiers: ClinVar variation 3484074 (VCV003484074.2).

ClinVar aggregate classification (germline): Uncertain significance. Review status: criteria provided, multiple submitters, no conflicts (2 of 4 stars). 2 submissions from 2 submitters: Uncertain significance (2). Last evaluated 2025-10-19.

Conditions:
Cardiovascular phenotype. Identifiers: MedGen CN230736.
Brugada syndrome. Also called: Sudden Unexplained Death Syndrome; Sudden Unexplained Nocturnal Death Syndrome (SUNDS); Sudden unexpected nocturnal death syndrome; Sudden unexplained nocturnal death syndrome. Identifiers: Orphanet 130, MedGen C1142166, MONDO:0015263.

gnomAD v4.1: 34 of 1,613,590 alleles (0.0021%); highest among the groups gnomAD compares: Non-Finnish European, 0.0028%; no homozygotes.

Submissions (2):

Labcorp Genetics (formerly Invitae), Labcorp
Classification: Uncertain significance for Brugada syndrome. Last evaluated: 2025-10-19. Review status: criteria provided, single submitter. Criteria: Invitae Variant Classification Sherloc (09022015). Collection method: clinical testing. Allele origin: germline.
Comment: This sequence change replaces proline, which is neutral and non-polar, with serine, which is neutral and polar, at codon 140 of the CACNA2D1 protein (p.Pro140Ser). This variant is not present in population databases (gnomAD no frequency). This variant has not been reported in the literature in individuals affected with CACNA2D1-related conditions. ClinVar contains an entry for this variant (Variation ID: 3484074). An algorithm developed to predict the effect of missense changes on protein structure and function outputs the following: PolyPhen-2: "Benign". The serine amino acid residue is found in multiple mammalian species, which suggests that this missense change does not adversely affect protein function. In summary, the available evidence is currently insufficient to determine the role of this variant in disease. Therefore, it has been classified as a Variant of Uncertain Significance.

Ambry Genetics
Classification: Uncertain significance for Cardiovascular phenotype. Last evaluated: 2024-12-08. Review status: criteria provided, single submitter. Criteria: Ambry Variant Classification Scheme 2023. Collection method: clinical testing. Allele origin: germline.
Comment: The p.P140S variant (also known as c.418C>T), located in coding exon 6 of the CACNA2D1 gene, results from a C to T substitution at nucleotide position 418. The proline at codon 140 is replaced by serine, an amino acid with similar properties. This amino acid position is conserved. In addition, this alteration is predicted to be tolerated by in silico analysis. Based on the available evidence, the clinical significance of this variant remains unclear.